The following is an entry in ClinVar:

ClinVar aggregate classification (germline): Uncertain significance (1 of 4 stars; one submission).

Conditions:
Developmental and epileptic encephalopathy, 25 (DEE25). Also called: Developmental and epileptic encephalopathy 25, with amelogenesis imperfecta; Epileptic encephalopathy, early infantile, 25, with amelogenesis imperfecta; Epileptic encephalopathy, early infantile, 25. Identifiers: Orphanet 442835, MedGen C4014621, MONDO:0014392, OMIM 615905.

Allele frequency attached by ClinVar (database versions not stated): gnomAD exomes below 0.00001; TOPMed below 0.00001; ExAC 0.00001; ESP Exome Variant Server 0.00008.
gnomAD v4.1: 1 of 1,614,088 alleles (0.000062%); highest among the groups gnomAD compares: African/African-American, 0.0013%; no homozygotes.

Submission:

Labcorp Genetics (formerly Invitae), Labcorp
Classification: Uncertain significance for Developmental and epileptic encephalopathy, 25. Last evaluated: 2021-09-01. Review status: criteria provided, single submitter. Criteria: Invitae Variant Classification Sherloc (09022015). Collection method: clinical testing. Allele origin: germline.
Comment: This sequence change replaces valine with isoleucine at codon 64 of the SLC13A5 protein (p.Val64Ile). The valine residue is weakly conserved and there is a small physicochemical difference between valine and isoleucine. This variant is present in population databases (rs376024540, ExAC 0.01%). This variant has not been reported in the literature in individuals affected with SLC13A5-related conditions. Algorithms developed to predict the effect of missense changes on protein structure and function (SIFT, PolyPhen-2, Align-GVGD) all suggest that this variant is likely to be tolerated. In summary, the available evidence is currently insufficient to determine the role of this variant in disease. Therefore, it has been classified as a Variant of Uncertain Significance.

NM_177550.5(SLC13A5):c.190G>A (p.Val64Ile)

Gene: SLC13A5 (solute carrier family 13 member 5; minus strand). Cytogenetic location: 17p13.1.
Variant type: single nucleotide variant.
Coding change: c.190G>A on transcript NM_177550.5 (MANE Select); coding-DNA position 190, G replaced by A.
Protein change: p.Val64Ile; replaces valine 64 with isoleucine.
Molecular consequence: missense variant. On other transcripts: intron variant (1).
Genome position (GRCh38, 1-based): chr17:6,707,069, C>T on the plus strand (G>A on the coding strand, the complement: SLC13A5 is on the minus strand). VCF-style: chr17-6707069-C-T. GRCh37 (hg19) VCF-style: chr17-6610388-C-T.
Other names: c.190G>A, p.Val64Ile (NM_001143838.3, NM_001284509.2); c.103-291G>A (NM_001284510.2); short protein forms V64I.
Identifiers: ClinVar variation 541968 (VCV000541968.8), dbSNP rs376024540, ClinGen allele CA8331855.